The following is an entry in ClinVar:

NM_001868.4(CPA1):c.742T>C (p.Cys248Arg)

Gene: CPA1 (carboxypeptidase A1; plus strand). Cytogenetic location: 7q32.2.
Variant type: single nucleotide variant.
Coding change: c.742T>C on transcript NM_001868.4 (MANE Select); coding-DNA position 742, T replaced by C.
Protein change: p.Cys248Arg; replaces cysteine 248 with arginine.
Molecular consequence: missense variant.
Genome position (GRCh38, 1-based): chr7:130,384,581, T>C. VCF-style: chr7-130384581-T-C. GRCh37 (hg19) VCF-style: chr7-130024422-T-C.
Other names: short protein forms C248R.
Identifiers: ClinVar variation 4869359 (VCV004869359.1).
Genomic context (GRCh38, chr7:130,384,581, plus strand): 5'-CATTTCCTTCCTCAGAATCGCATGTGGCGCAAGACTCGGTCCCACACAGCAGGCTCCCTC[T>C]GTATTGGCGTGGACCCCAACAGGAACTGGGACGCTGGCTTTGGGTGTAAGGCCCAGAGTG-3'
Protein context (NP_001859.1, residues 238-258): KTRSHTAGSL[Cys248Arg]IGVDPNRNWD

ClinVar aggregate classification (germline): Uncertain significance (1 of 4 stars; one submission).

Conditions:
Hereditary pancreatitis (PCTT). Also called: Hereditary chronic pancreatitis; PRSS1-Related Hereditary Pancreatitis. Identifiers: Orphanet 676, MedGen C0238339, MONDO:0008185, OMIM 167800.

Submission:

Ambry Genetics
Classification: Uncertain significance for Hereditary pancreatitis. Last evaluated: 2026-04-10. Review status: criteria provided, single submitter. Criteria: Ambry Variant Classification Scheme 2023. Collection method: clinical testing. Allele origin: germline.
Comment: The p.C248R variant (also known as c.742T>C), located in coding exon 7 of the CPA1 gene, results from a T to C substitution at nucleotide position 742. The cysteine at codon 248 is replaced by arginine, an amino acid with highly dissimilar properties. This amino acid position is conserved. In addition, this alteration is predicted to be deleterious by in silico analysis. Based on the available evidence, the clinical significance of this variant remains unclear.